The following is an entry in ClinVar:

NM_014975.3(MAST1):c.2989C>T (p.His997Tyr)

Gene: MAST1 (microtubule associated serine/threonine kinase 1; plus strand). Cytogenetic location: 19p13.13.
Variant type: single nucleotide variant.
Coding change: c.2989C>T on transcript NM_014975.3 (MANE Select); coding-DNA position 2989, C replaced by T.
Protein change: p.His997Tyr; replaces histidine 997 with tyrosine.
Molecular consequence: missense variant.
Genome position (GRCh38, 1-based): chr19:12,869,281, C>T. VCF-style: chr19-12869281-C-T. GRCh37 (hg19) VCF-style: chr19-12980095-C-T.
Other names: short protein forms H997Y.
Identifiers: ClinVar variation 1700824 (VCV001700824.2), dbSNP rs2145911348, ClinGen allele CA404283950.

ClinVar aggregate classification (germline): Uncertain significance (1 of 4 stars; one submission).

Submission:

GeneDx
Classification: Uncertain significance. Last evaluated: 2022-02-09. Review status: criteria provided, single submitter. Criteria: GeneDx Variant Classification Process June 2021. Collection method: clinical testing. Allele origin: germline. Affected: yes.
Comment: Not observed at significant frequency in large population cohorts (gnomAD); In silico analysis supports that this missense variant has a deleterious effect on protein structure/function; Has not been previously published as pathogenic or benign to our knowledge